The following is an entry in ClinVar:

ClinVar aggregate classification (germline): Pathogenic. Review status: criteria provided, multiple submitters, no conflicts (2 of 4 stars). 2 submissions from 2 submitters: Pathogenic (2). Last evaluated 2023-04-14.

Conditions:
Hereditary cancer-predisposing syndrome. Also called: Tumor predisposition; Neoplastic Syndromes, Hereditary; Hereditary neoplastic syndrome; Hereditary Cancer Syndrome. Identifiers: Orphanet 140162, MedGen C0027672, MeSH D009386, MONDO:0015356.

Allele frequency attached by ClinVar (database versions not stated): gnomAD exomes below 0.00001.

Submissions (2):

Ambry Genetics
Classification: Pathogenic for Hereditary cancer-predisposing syndrome. Last evaluated: 2023-04-14. Review status: criteria provided, single submitter. Criteria: Ambry Variant Classification Scheme 2023. Collection method: clinical testing. Allele origin: germline.
Comment: The c.2156dupT pathogenic mutation, located in coding exon 13 of the RAD50 gene, results from a duplication of one nucleotide at position 2156, causing a translational frameshift with a predicted alternate stop codon (p.E723Gfs*5). This mutation was reported in a cohort of over 2,000 individuals undergoing multigene panel testing for hereditary cancer (LaDuca et al. Genet. Med. 2014 Nov;16(11):830-7). In addition to the clinical data presented in the literature, this alteration is expected to result in loss of function by premature protein truncation or nonsense-mediated mRNA decay. As such, this alteration is interpreted as a disease-causing mutation.

Labcorp Genetics (formerly Invitae), Labcorp
Classification: Pathogenic for Hereditary cancer-predisposing syndrome. Last evaluated: 2021-10-18. Review status: criteria provided, single submitter. Criteria: Invitae Variant Classification Sherloc (09022015). Collection method: clinical testing. Allele origin: germline.
Comment: This sequence change creates a premature translational stop signal (p.Glu723Glyfs*5) in the RAD50 gene. It is expected to result in an absent or disrupted protein product. Loss-of-function variants in RAD50 are known to be pathogenic (PMID: 19409520). This variant is not present in population databases (ExAC no frequency). This premature translational stop signal has been observed in individual(s) with breast cancer (PMID: 25452441, 26824983). ClinVar contains an entry for this variant (Variation ID: 37377). For these reasons, this variant has been classified as Pathogenic.

Literature cited by the submitters: PubMed 19409520 (cited by Labcorp Genetics (formerly Invitae), Labcorp); PubMed 25452441 (cited by Labcorp Genetics (formerly Invitae), Labcorp); PubMed 26824983 (cited by Labcorp Genetics (formerly Invitae), Labcorp).

NM_005732.4(RAD50):c.2156dup (p.Glu723fs)

Gene: RAD50 (RAD50 double strand break repair protein; plus strand). Cytogenetic location: 5q31.1.
Variant type: Duplication.
Coding change: c.2156dup on transcript NM_005732.4 (MANE Select); coding-DNA position 2156, one base duplicated (T; older notation c.2156dupT).
Protein change: p.Glu723fs; shifts the reading frame from glutamic acid 723.
Molecular consequence: frameshift variant.
Genome position (GRCh38, 1-based): chr5:132,595,759, T duplicated. VCF-style (leftmost placement, unchanged base first): chr5-132595758-C-CT. GRCh37 (hg19) VCF-style: chr5-131931450-C-CT.
Other names: short protein forms E723fs.
Identifiers: ClinVar variation 37377 (VCV000037377.13), dbSNP rs1554098706, ClinGen allele CA130234.